The following is an entry in ClinVar:

NM_000088.4(COL1A1):c.2344-1G>A

Gene: COL1A1 (collagen type I alpha 1 chain; minus strand). Cytogenetic location: 17q21.33.
Variant type: single nucleotide variant.
Coding change: c.2344-1G>A on transcript NM_000088.4 (MANE Select); the canonical splice acceptor site of the intron before coding-DNA position 2344, G replaced by A.
Molecular consequence: splice acceptor variant.
Genome position (GRCh38, 1-based): chr17:50,190,597, C>T on the plus strand (G>A on the coding strand, the complement: COL1A1 is on the minus strand). VCF-style: chr17-50190597-C-T. GRCh37 (hg19) VCF-style: chr17-48267958-C-T.
Identifiers: ClinVar variation 575360 (VCV000575360.9), dbSNP rs1567756567, ClinGen allele CA400208279.

ClinVar aggregate classification (germline): Pathogenic (1 of 4 stars; one submission).

Conditions:
Osteogenesis imperfecta type I (OI1). Also called: Lobstein disease; Osteogenesis imperfecta type 1; OI, TYPE I; OSTEOGENESIS IMPERFECTA TARDA; OSTEOGENESIS IMPERFECTA WITH BLUE SCLERAE; Lobstein's Disease. Identifiers: Orphanet 216796, Orphanet 666, MedGen C0023931, MONDO:0008146, OMIM 166200. Disease mechanism: loss of function.

Submission:

Labcorp Genetics (formerly Invitae), Labcorp
Classification: Pathogenic for Osteogenesis imperfecta type I. Last evaluated: 2024-10-30. Review status: criteria provided, single submitter. Criteria: Invitae Variant Classification Sherloc (09022015). Collection method: clinical testing. Allele origin: germline.
Comment: This sequence change affects an acceptor splice site in intron 33 of the COL1A1 gene. It is expected to disrupt RNA splicing. Variants that disrupt the donor or acceptor splice site typically lead to a loss of protein function (PMID: 16199547), and loss-of-function variants in COL1A1 are known to be pathogenic (PMID: 7942841, 9295084, 9443882). This variant is not present in population databases (gnomAD no frequency). Disruption of this splice site has been observed in individuals with Osteogenesis Imperfecta Type I (PMID: 25963598). ClinVar contains an entry for this variant (Variation ID: 575360). Algorithms developed to predict the effect of sequence changes on RNA splicing suggest that this variant may disrupt the consensus splice site. For these reasons, this variant has been classified as Pathogenic.

Literature cited by the submitters: PubMed 16199547; PubMed 7942841; PubMed 9295084; PubMed 9443882; PubMed 25963598.